The following is an entry in ClinVar:

NM_000218.3(KCNQ1):c.1132G>A (p.Ala378Thr)

Gene: KCNQ1 (potassium voltage-gated channel subfamily Q member 1; plus strand). Cytogenetic location: 11p15.5.
Variant type: single nucleotide variant.
Coding change: c.1132G>A on transcript NM_000218.3 (MANE Select); coding-DNA position 1132, G replaced by A.
Protein change: p.Ala378Thr; replaces alanine 378 with threonine.
Molecular consequence: missense variant.
Genome position (GRCh38, 1-based): chr11:2,587,573, G>A. VCF-style: chr11-2587573-G-A. GRCh37 (hg19) VCF-style: chr11-2608803-G-A.
Other names: c.1036G>A, p.Ala346Thr (NM_001406836.1); c.862G>A, p.Ala288Thr (NM_001406837.1); c.592G>A, p.Ala198Thr (NM_001406838.1); c.751G>A, p.Ala251Thr (NM_181798.2); short protein forms A251T, A378T, A198T, A288T, A346T.
Identifiers: ClinVar variation 1394880 (VCV001394880.12), dbSNP rs756571615, ClinGen allele CA027352.

ClinVar aggregate classification (germline): Uncertain significance. Review status: criteria provided, multiple submitters, no conflicts (2 of 4 stars). 4 submissions from 4 submitters: Uncertain significance (4). Last evaluated 2025-11-08.

Conditions:
Cardiovascular phenotype. Identifiers: MedGen CN230736.
Long QT syndrome (LQTS). Identifiers: MedGen C0023976, MeSH D008133, MONDO:0002442. Disease mechanism: loss of function. Inheritance: Various modes of inheritance.

Allele frequency attached by ClinVar (database versions not stated): ExAC 0.00001; gnomAD 0.00001; gnomAD exomes 0.00001.
gnomAD v4.1: 9 of 1,613,586 alleles (0.00056%); highest among the groups gnomAD compares: East Asian, 0.0045%; no homozygotes.

Submissions (4):

Labcorp Genetics (formerly Invitae), Labcorp
Classification: Uncertain significance for Long QT syndrome. Last evaluated: 2025-11-08. Review status: criteria provided, single submitter. Criteria: Invitae Variant Classification Sherloc (09022015). Collection method: clinical testing. Allele origin: germline.
Comment: This sequence change replaces alanine, which is neutral and non-polar, with threonine, which is neutral and polar, at codon 378 of the KCNQ1 protein (p.Ala378Thr). This variant is present in population databases (rs756571615, gnomAD 0.005%). This variant has not been reported in the literature in individuals affected with KCNQ1-related conditions. ClinVar contains an entry for this variant (Variation ID: 1394880). Invitae Evidence Modeling of protein sequence and biophysical properties (such as structural, functional, and spatial information, amino acid conservation, physicochemical variation, residue mobility, and thermodynamic stability) has been performed for this missense variant. However, the output from this modeling did not meet the statistical confidence thresholds required to predict the impact of this variant on KCNQ1 protein function. In summary, the available evidence is currently insufficient to determine the role of this variant in disease. Therefore, it has been classified as a Variant of Uncertain Significance.

GeneDx
Classification: Uncertain significance. Last evaluated: 2023-11-13. Review status: criteria provided, single submitter. Criteria: GeneDx Variant Classification Process June 2021. Collection method: clinical testing. Allele origin: germline. Affected: yes.
Comment: Not observed at significant frequency in large population cohorts (gnomAD); In silico analysis supports that this missense variant does not alter protein structure/function; Has not been previously published as pathogenic or benign to our knowledge

Blueprint Genetics
Classification: Uncertain significance. Last evaluated: 2021-07-21. Review status: criteria provided, single submitter. Criteria: ACMG Guidelines, 2015. Collection method: clinical testing. Allele origin: germline.

Ambry Genetics
Classification: Uncertain significance for Cardiovascular phenotype. Last evaluated: 2021-01-05. Review status: criteria provided, single submitter. Criteria: Ambry Variant Classification Scheme 2023. Collection method: clinical testing. Allele origin: germline.
Comment: The p.A378T variant (also known as c.1132G>A), located in coding exon 9 of the KCNQ1 gene, results from a G to A substitution at nucleotide position 1132. The alanine at codon 378 is replaced by threonine, an amino acid with similar properties. This amino acid position is well conserved in available vertebrate species. In addition, this alteration is predicted to be deleterious by in silico analysis. Since supporting evidence is limited at this time, the clinical significance of this alteration remains unclear.